The following is an entry in ClinVar:

NM_006231.4(POLE):c.3626C>T (p.Ala1209Val)

Gene: POLE (DNA polymerase epsilon, catalytic subunit; minus strand). Cytogenetic location: 12q24.33.
Variant type: single nucleotide variant.
Coding change: c.3626C>T on transcript NM_006231.4 (MANE Select); coding-DNA position 3626, C replaced by T.
Protein change: p.Ala1209Val; replaces alanine 1209 with valine.
Molecular consequence: missense variant.
Genome position (GRCh38, 1-based): chr12:132,649,846, G>A on the plus strand (C>T on the coding strand, the complement: POLE is on the minus strand). VCF-style: chr12-132649846-G-A. GRCh37 (hg19) VCF-style: chr12-133226432-G-A.
Other names: c.3626C>T (NM_006231.2); short protein forms A1209V.
Identifiers: ClinVar variation 652508 (VCV000652508.13), dbSNP rs1593751440, ClinGen allele CA387386930.

ClinVar aggregate classification (germline): Uncertain significance. Review status: criteria provided, multiple submitters, no conflicts (2 of 4 stars). 3 submissions from 3 submitters: Uncertain significance (3). Last evaluated 2026-01-01.

Conditions:
Hereditary cancer-predisposing syndrome. Also called: Neoplastic Syndromes, Hereditary; Hereditary neoplastic syndrome; Tumor predisposition; Hereditary Cancer Syndrome. Identifiers: Orphanet 140162, MedGen C0027672, MeSH D009386, MONDO:0015356.

Allele frequency attached by ClinVar (database versions not stated): gnomAD exomes below 0.00001.
gnomAD v4.1: 1 of 1,614,136 alleles (0.000062%); highest among the groups gnomAD compares: African/African-American, 0.0013%; no homozygotes.

Submissions (3):

Ambry Genetics
Classification: Uncertain significance for Hereditary cancer-predisposing syndrome. Last evaluated: 2026-01-01. Review status: criteria provided, single submitter. Criteria: Ambry Variant Classification Scheme 2023. Collection method: clinical testing. Allele origin: germline.
Comment: The p.A1209V variant (also known as c.3626C>T), located in coding exon 30 of the POLE gene, results from a C to T substitution at nucleotide position 3626. The alanine at codon 1209 is replaced by valine, an amino acid with similar properties. This amino acid position is conserved. In addition, this alteration is predicted to be tolerated by in silico analysis. Based on the available evidence, the clinical significance of this variant remains unclear.

Labcorp Genetics (formerly Invitae), Labcorp
Classification: Uncertain significance. Last evaluated: 2025-09-10. Review status: criteria provided, single submitter. Criteria: Invitae Variant Classification Sherloc (09022015). Collection method: clinical testing. Allele origin: germline.
Comment: This sequence change replaces alanine, which is neutral and non-polar, with valine, which is neutral and non-polar, at codon 1209 of the POLE protein (p.Ala1209Val). This variant is not present in population databases (gnomAD no frequency). This variant has not been reported in the literature in individuals affected with POLE-related conditions. ClinVar contains an entry for this variant (Variation ID: 652508). Invitae Evidence Modeling of protein sequence and biophysical properties (such as structural, functional, and spatial information, amino acid conservation, physicochemical variation, residue mobility, and thermodynamic stability) indicates that this missense variant is not expected to disrupt POLE protein function with a negative predictive value of 80%. In summary, the available evidence is currently insufficient to determine the role of this variant in disease. Therefore, it has been classified as a Variant of Uncertain Significance.

Quest Diagnostics Nichols Institute San Juan Capistrano
Classification: Uncertain significance. Last evaluated: 2019-07-02. Review status: criteria provided, single submitter. Criteria: Quest Diagnostics criteria. Collection method: clinical testing. Allele origin: germline.